The following is an entry in ClinVar:

NM_005591.4(MRE11):c.1960_1979dup (p.Lys661fs)

Gene: MRE11 (MRE11 double strand break repair nuclease; minus strand). Cytogenetic location: 11q21.
Variant type: Duplication.
Coding change: c.1960_1979dup on transcript NM_005591.4 (MANE Select); coding-DNA positions 1960 to 1979, 20 bases duplicated (GACATTTTTCCTACCACTTC).
Protein change: p.Lys661fs; shifts the reading frame from lysine 661.
Molecular consequence: frameshift variant.
Genome position (GRCh38, 1-based): chr11:94,435,847-94,435,866, GAAGTGGTAGGAAAAATGTC duplicated on the plus strand (GACATTTTTCCTACCACTTC on the coding strand, the reverse complement: MRE11 is on the minus strand). VCF-style (leftmost placement, unchanged base first): chr11-94435846-T-TGAAGTGGTAGGAAAAATGTC. GRCh37 (hg19) VCF-style: chr11-94169012-T-TGAAGTGGTAGGAAAAATGTC.
Other names: c.1960_1979dupGACATTTTTCCTACCACTTC (NM_005591.3); c.1957_1976dup, p.Lys660fs (NM_001330347.2); c.1876_1895dup, p.Lys633fs (NM_005590.4); c.1960_1979dup20 (NM_005591.3); short protein forms K633fs, K660fs, K661fs.
Identifiers: ClinVar variation 141025 (VCV000141025.22), dbSNP rs587781442, ClinGen allele CA333185.

ClinVar aggregate classification (germline): Conflicting classifications of pathogenicity. Review status: criteria provided, conflicting classifications (1 of 4 stars). 9 submissions from 9 submitters: Pathogenic (1); Likely pathogenic (4); Uncertain significance (4). Last evaluated 2024-08-07.

Conditions:
MRE11A-related disorders.
Ataxia-telangiectasia-like disorder (ATLD). Identifiers: MedGen C1858391, MONDO:0011457.
Hereditary cancer-predisposing syndrome. Also called: Neoplastic Syndromes, Hereditary; Hereditary Cancer Syndrome; Tumor predisposition; Hereditary neoplastic syndrome. Identifiers: Orphanet 140162, MedGen C0027672, MeSH D009386, MONDO:0015356.
Ataxia-telangiectasia-like disorder 1 (ATLD1). Identifiers: Orphanet 251347, MedGen C4012790, MONDO:0024557, OMIM 604391.

Allele frequency attached by ClinVar (database versions not stated): gnomAD 0.00006 and 0.00007.

Submissions (9):

Athena Diagnostics
Classification: Uncertain significance. Last evaluated: 2024-08-07. Review status: criteria provided, single submitter. Criteria: Athena Diagnostics Criteria. Collection method: clinical testing. Allele origin: unknown.
Comment: Available data are insufficient to determine the clinical significance of the variant at this time. The frequency of this variant in the general population is uninformative in assessment of its pathogenicity. This variant is not expected to cause loss of protein expression through nonsense-mediated decay. However, it may still disrupt protein function. This variant has been identified in at least one individual with clinical features associated with this gene.

Labcorp Genetics (formerly Invitae), Labcorp
Classification: Uncertain significance for Ataxia-telangiectasia-like disorder. Last evaluated: 2024-04-11. Review status: criteria provided, single submitter. Criteria: Invitae Variant Classification Sherloc (09022015). Collection method: clinical testing. Allele origin: germline.
Comment: This sequence change creates a premature translational stop signal (p.Lys661Thrfs*45) in the MRE11 gene. While this is not anticipated to result in nonsense mediated decay, it is expected to disrupt the last 48 amino acid(s) of the MRE11 protein. This variant is present in population databases (rs587781442, gnomAD 0.02%). This premature translational stop signal has been observed in individual(s) with ataxia-telangiectasia-like disorder (PMID: 33426167). This variant is also known as c.1876_1895dup; p.Lys633fs. ClinVar contains an entry for this variant (Variation ID: 141025). Experimental studies and prediction algorithms are not available or were not evaluated, and the functional significance of this variant is currently unknown. In summary, the available evidence is currently insufficient to determine the role of this variant in disease. Therefore, it has been classified as a Variant of Uncertain Significance.

Fulgent Genetics
Classification: Likely pathogenic for Ataxia-telangiectasia-like disorder 1. Last evaluated: 2024-04-09. Review status: criteria provided, single submitter. Criteria: ACMG Guidelines, 2015. Collection method: clinical testing. Allele origin: germline.

Baylor Genetics
Classification: Likely pathogenic for Ataxia-telangiectasia-like disorder 1. Last evaluated: 2024-03-27. Review status: criteria provided, single submitter. Criteria: ACMG Guidelines, 2015. Collection method: clinical testing. Allele origin: unknown.

Quest Diagnostics Nichols Institute San Juan Capistrano
Classification: Uncertain significance. Last evaluated: 2023-11-07. Review status: criteria provided, single submitter. Criteria: Quest Diagnostics criteria. Collection method: clinical testing. Allele origin: unknown.

Ambry Genetics
Classification: Likely pathogenic for Hereditary cancer-predisposing syndrome. Last evaluated: 2023-01-04. Review status: criteria provided, single submitter. Criteria: Ambry Variant Classification Scheme 2023. Collection method: clinical testing. Allele origin: germline.
Comment: The c.1960_1979dup20 variant, located in coding exon 17 of the MRE11A gene, results from a duplication of GACATTTTTCCTACCACTTC at nucleotide position 1960, causing a translational frameshift with a predicted alternate stop codon (p.K661Tfs*45). This alteration is expected to result in loss of function by premature protein truncation. Based on the majority of available evidence to date, this variant is likely to be pathogenic.

GeneDx
Classification: Uncertain significance. Last evaluated: 2021-06-09. Review status: criteria provided, single submitter. Criteria: GeneDx Variant Classification Process June 2021. Collection method: clinical testing. Allele origin: germline. Affected: yes.
Comment: Frameshift variant predicted to result in protein truncation as the last 55 amino acids are replaced with 44 different amino acids, although loss-of-function variants have not been reported downstream of this position in the protein; Observed in a patient in the published literature, but no additional information was provided (LaDuca et al., 2017); This variant is associated with the following publications: (PMID: 27535533, 28152038)

Blueprint Genetics
Classification: Likely pathogenic for MRE11A-related disorders. Last evaluated: 2020-06-25. Review status: criteria provided, single submitter. Criteria: ACMG Guidelines, 2015. Collection method: clinical testing. Allele origin: germline. Affected: yes. Observed: 1 variant allele.

Mendelics
Classification: Pathogenic for Ataxia-telangiectasia-like disorder 1. Last evaluated: 2019-05-28. Review status: criteria provided, single submitter. Criteria: Mendelics Assertion Criteria 2017. Collection method: clinical testing. Allele origin: unknown.

Literature cited by the submitters: PubMed 36446039 (cited by Athena Diagnostics and Quest Diagnostics Nichols Institute San Juan Capistrano); PubMed 28152038 (cited by 3 submitters); PubMed 33426167 (cited by 3 submitters).